The following is an entry in ClinVar:

ClinVar aggregate classification (germline): Likely benign. Review status: criteria provided, multiple submitters, no conflicts (2 of 4 stars). 4 submissions from 4 submitters: Likely benign (3). 1 of the submissions does not count toward it. Last evaluated 2024-08-09.

Conditions:
FYB1-related disorder. Also called: FYB1-related condition.

Allele frequency attached by ClinVar (database versions not stated): ExAC 0.00085; gnomAD 0.00231; TOPMed 0.00246; ESP Exome Variant Server 0.00273; 1000 Genomes Project 0.00399; 1000 Genomes Project 30x 0.00422.
gnomAD v4.1: 755 of 1,613,506 alleles (0.047%); highest among the groups gnomAD compares: African/African-American, 0.8%; 4 homozygotes.

Submissions (4):

Blueprint Genetics
Classification: Likely benign. Last evaluated: 2024-08-09. Review status: criteria provided, single submitter. Criteria: ACMG Guidelines, 2015. Collection method: clinical testing. Allele origin: germline.

Mayo Clinic Laboratories, Mayo Clinic
Classification: Likely benign. Last evaluated: 2024-01-23. Review status: criteria provided, single submitter. Criteria: ACMG Guidelines, 2015. Collection method: clinical testing. Allele origin: germline. Observed: 2 variant alleles.
Comment: BP4, BP7

CeGaT Center for Human Genetics Tuebingen
Classification: Likely benign. Last evaluated: 2022-04-01. Review status: criteria provided, single submitter. Criteria: CeGaT Center For Human Genetics Tuebingen Variant Classification Criteria Version 2. Collection method: clinical testing. Allele origin: germline. Affected: yes. Observed: 1 variant allele.
Comment: FYB1: BP4, BP7

PreventionGenetics, part of Exact Sciences
Classification: Likely benign for FYB1-related condition. Last evaluated: 2024-02-01. Review status: no assertion criteria provided. Collection method: clinical testing. Allele origin: germline. Not counted in ClinVar's aggregate classification.
Comment: This variant is classified as likely benign based on ACMG/AMP sequence variant interpretation guidelines (Richards et al. 2015 PMID: 25741868, with internal and published modifications).

NM_001465.6(FYB1):c.1941G>A (p.Thr647=)

Gene: FYB1 (FYN binding protein 1; minus strand). Cytogenetic location: 5p13.1.
Variant type: single nucleotide variant.
Coding change: c.1941G>A on transcript NM_001465.6 (MANE Select); coding-DNA position 1941, G replaced by A.
Protein change: p.Thr647=; no amino-acid change (threonine 647 retained).
Molecular consequence: synonymous variant. On other transcripts: intron variant (2).
Genome position (GRCh38, 1-based): chr5:39,126,102, C>T on the plus strand (G>A on the coding strand, the complement: FYB1 is on the minus strand). VCF-style: chr5-39126102-C-T. GRCh37 (hg19) VCF-style: chr5-39126204-C-T.
Other names: p.Thr647=; c.1971G>A (NM_001243093.1); c.1971G>A, p.Thr657= (NM_001243093.2); c.1941G>A, p.Thr647= (NM_001349333.2); c.1907+1639G>A (NM_199335.5); c.1937+1639G>A (NM_018594.2).
Identifiers: ClinVar variation 2655441 (VCV002655441.27), dbSNP rs75710164, ClinGen allele CA3246053.